The following is an entry in ClinVar:

NM_030962.4(SBF2):c.4425C>G (p.Phe1475Leu)

Genes: SBF2 (SET binding factor 2; minus strand), SBF2-AS1 (SBF2 antisense RNA 1; plus strand). Cytogenetic location: 11p15.4.
Variant type: single nucleotide variant.
Coding change: c.4425C>G on transcript NM_030962.4 (MANE Select); coding-DNA position 4425, C replaced by G.
Protein change: p.Phe1475Leu; replaces phenylalanine 1475 with leucine.
Molecular consequence: missense variant. On other transcripts: non-coding transcript variant (1).
Genome position (GRCh38, 1-based): chr11:9,808,018, G>C on the plus strand (C>G on the coding strand, the complement: SBF2 is on the minus strand). VCF-style: chr11-9808018-G-C. GRCh37 (hg19) VCF-style: chr11-9829565-G-C.
Other names: c.4521C>G, p.Phe1507Leu (NM_001386339.1); c.4296C>G, p.Phe1432Leu (NM_001386342.1); short protein forms F1432L, F1507L, F1475L.
Identifiers: ClinVar variation 1944905 (VCV001944905.3), dbSNP rs2494598919, ClinGen allele CA379639234.

ClinVar aggregate classification (germline): Uncertain significance (1 of 4 stars; one submission).

Conditions:
Charcot-Marie-Tooth disease type 4. Also called: Charcot-Marie-Tooth, Type 4; Charcot-Marie-Tooth disease, type IV. Identifiers: Orphanet 64749, MedGen C4082197, MONDO:0018995.

Submission:

Labcorp Genetics (formerly Invitae), Labcorp
Classification: Uncertain significance for Charcot-Marie-Tooth disease type 4. Last evaluated: 2022-11-01. Review status: criteria provided, single submitter. Criteria: Invitae Variant Classification Sherloc (09022015). Collection method: clinical testing. Allele origin: germline.
Comment: This sequence change replaces phenylalanine, which is neutral and non-polar, with leucine, which is neutral and non-polar, at codon 1475 of the SBF2 protein (p.Phe1475Leu). In summary, the available evidence is currently insufficient to determine the role of this variant in disease. Therefore, it has been classified as a Variant of Uncertain Significance. Advanced modeling of protein sequence and biophysical properties (such as structural, functional, and spatial information, amino acid conservation, physicochemical variation, residue mobility, and thermodynamic stability) performed at Invitae indicates that this missense variant is expected to disrupt SBF2 protein function. This variant has not been reported in the literature in individuals affected with SBF2-related conditions. This variant is not present in population databases (gnomAD no frequency).